The following is an entry in ClinVar:

ClinVar aggregate classification (germline): Uncertain significance (1 of 4 stars; one submission).

Conditions:
Aspartylglucosaminuria (AGU). Also called: GLYCOASPARAGINASE; GLYCOSYLASPARAGINASE DEFICIENCY; Aspartylglucos-aminuria; Aspartylglucos-amidase (AGA) deficiency; AGA DEFICIENCY. Identifiers: Orphanet 93, MedGen C0268225, MONDO:0008830, OMIM 208400, HP:0012068.

Submission:

Labcorp Genetics (formerly Invitae), Labcorp
Classification: Uncertain significance for Aspartylglucosaminuria. Last evaluated: 2025-07-14. Review status: criteria provided, single submitter. Criteria: Invitae Variant Classification Sherloc (09022015). Collection method: clinical testing. Allele origin: germline.
Comment: This sequence change replaces proline, which is neutral and non-polar, with alanine, which is neutral and non-polar, at codon 282 of the AGA protein (p.Pro282Ala). This variant is not present in population databases (gnomAD no frequency). This variant has not been reported in the literature in individuals affected with AGA-related conditions. ClinVar contains an entry for this variant (Variation ID: 1442636). Invitae Evidence Modeling of protein sequence and biophysical properties (such as structural, functional, and spatial information, amino acid conservation, physicochemical variation, residue mobility, and thermodynamic stability) has been performed for this missense variant. However, the output from this modeling did not meet the statistical confidence thresholds required to predict the impact of this variant on AGA protein function. In summary, the available evidence is currently insufficient to determine the role of this variant in disease. Therefore, it has been classified as a Variant of Uncertain Significance.

NM_000027.4(AGA):c.844C>G (p.Pro282Ala)

Gene: AGA (aspartylglucosaminidase; minus strand). Cytogenetic location: 4q34.3.
Variant type: single nucleotide variant.
Coding change: c.844C>G on transcript NM_000027.4 (MANE Select); coding-DNA position 844, C replaced by G.
Protein change: p.Pro282Ala; replaces proline 282 with alanine.
Molecular consequence: missense variant. On other transcripts: non-coding transcript variant (1).
Genome position (GRCh38, 1-based): chr4:177,433,310, G>C on the plus strand (C>G on the coding strand, the complement: AGA is on the minus strand). VCF-style: chr4-177433310-G-C. GRCh37 (hg19) VCF-style: chr4-178354464-G-C.
Other names: c.814C>G, p.Pro272Ala (NM_001171988.2); short protein forms P282A, P272A.
Identifiers: ClinVar variation 1442636 (VCV001442636.6), dbSNP rs2111006963, ClinGen allele CA358781422.
Genomic context (GRCh38, chr4:177,433,310, plus strand): 5'-CAAAGAATTCTGGAAAATGCTTCTGGATTCTTGAAATCACTTTTTGGCAAGCTATGGTTG[G>C]ATCTTCTCCTCTTCTCATGTATTCTACAGCTTGGTAGCTGATTGAAACAGAGGTGAAACC-3'
Protein context (NP_000018.2, residues 272-292): AVEYMRRGED[Pro282Ala]TIACQKVISR